The following is an entry in ClinVar:

ClinVar aggregate classification (germline): Likely benign (0 of 4 stars; one submission).

Conditions:
NTRK2-related disorder. Also called: NTRK2-related condition.

Submission:

PreventionGenetics, part of Exact Sciences
Classification: Likely benign for NTRK2-related condition. Last evaluated: 2024-02-22. Review status: no assertion criteria provided. Collection method: clinical testing. Allele origin: germline.
Comment: This variant is classified as likely benign based on ACMG/AMP sequence variant interpretation guidelines (Richards et al. 2015 PMID: 25741868, with internal and published modifications).

NM_006180.6(NTRK2):c.564C>T (p.Asn188=)

Gene: NTRK2 (neurotrophic receptor tyrosine kinase 2; plus strand). Cytogenetic location: 9q21.33.
Variant type: single nucleotide variant.
Coding change: c.564C>T on transcript NM_006180.6 (MANE Select); coding-DNA position 564, C replaced by T.
Protein change: p.Asn188=; no amino-acid change (asparagine 188 retained).
Molecular consequence: synonymous variant.
Genome position (GRCh38, 1-based): chr9:84,710,772, C>T. VCF-style: chr9-84710772-C-T. GRCh37 (hg19) VCF-style: chr9-87325687-C-T.
Other names: c.564C>T, p.Asn188= (NM_001007097.3, NM_001018064.3, NM_001018065.2 and 18 more transcripts); c.96C>T, p.Asn32= (NM_001369535.1, NM_001369536.1, NM_001369550.1 and 2 more transcripts).
Identifiers: ClinVar variation 3349717 (VCV003349717.1).